The following is an entry in ClinVar:

ClinVar aggregate classification (germline): Likely benign. Review status: criteria provided, multiple submitters, no conflicts (2 of 4 stars). 4 submissions from 4 submitters: Likely benign (4). Last evaluated 2025-04-17.

Conditions:
Cardiovascular phenotype. Identifiers: MedGen CN230736.
Myofibrillar myopathy 6. Identifiers: Orphanet 199340, MedGen C2751831, MONDO:0013061, OMIM 612954.
Dilated cardiomyopathy 1HH (CMD1HH). Identifiers: Orphanet 154, MedGen C3151293, MONDO:0013479, OMIM 613881.

Allele frequency attached by ClinVar (database versions not stated): gnomAD exomes below 0.00001 and 0.00001; ExAC 0.00002.
gnomAD v4.1: 13 of 1,614,152 alleles (0.00081%); highest among the groups gnomAD compares: Middle Eastern, 0.016%; no homozygotes.

Submissions (4):

Labcorp Genetics (formerly Invitae), Labcorp
Classification: Likely benign for Dilated cardiomyopathy 1HH; Myofibrillar myopathy 6. Last evaluated: 2025-04-17. Review status: criteria provided, single submitter. Criteria: Invitae Variant Classification Sherloc (09022015). Collection method: clinical testing. Allele origin: germline.

Blueprint Genetics
Classification: Likely benign. Last evaluated: 2021-06-28. Review status: criteria provided, single submitter. Criteria: ACMG Guidelines, 2015. Collection method: clinical testing. Allele origin: germline.

Ambry Genetics
Classification: Likely benign for Cardiovascular phenotype. Last evaluated: 2019-06-28. Review status: criteria provided, single submitter. Criteria: Ambry Variant Classification Scheme 2023. Collection method: clinical testing. Allele origin: germline.

GeneDx
Classification: Likely benign. Last evaluated: 2017-08-24. Review status: criteria provided, single submitter. Criteria: GeneDx Variant Classification (06012015). Collection method: clinical testing. Allele origin: germline. Affected: yes.
Comment: This variant is considered likely benign or benign based on one or more of the following criteria: it is a conservative change, it occurs at a poorly conserved position in the protein, it is predicted to be benign by multiple in silico algorithms, and/or has population frequency not consistent with disease.

NM_004281.4(BAG3):c.387G>A (p.Ala129=)

Gene: BAG3 (BAG cochaperone 3; plus strand). Cytogenetic location: 10q26.11.
Variant type: single nucleotide variant.
Coding change: c.387G>A on transcript NM_004281.4 (MANE Select); coding-DNA position 387, G replaced by A.
Protein change: p.Ala129=; no amino-acid change (alanine 129 retained).
Molecular consequence: synonymous variant.
Genome position (GRCh38, 1-based): chr10:119,670,057, G>A. VCF-style: chr10-119670057-G-A. GRCh37 (hg19) VCF-style: chr10-121429569-G-A.
Identifiers: ClinVar variation 511720 (VCV000511720.14), dbSNP rs764875756, ClinGen allele CA5716309.